The following is an entry in ClinVar:

ClinVar aggregate classification (germline): Likely benign (1 of 4 stars; one submission).

Allele frequency attached by ClinVar (database versions not stated): gnomAD exomes below 0.00001; ExAC 0.00001; gnomAD 0.00001; 1000 Genomes Project 30x 0.00016.
gnomAD v4.1: 2 of 1,614,130 alleles (0.00012%); highest among the groups gnomAD compares: African/African-American, 0.0013%; no homozygotes.

Submission:

GeneDx
Classification: Likely benign. Last evaluated: 2015-11-11. Review status: criteria provided, single submitter. Criteria: GeneDx Variant Classification (06012015). Collection method: clinical testing. Allele origin: germline. Affected: yes.
Comment: This variant is considered likely benign or benign based on one or more of the following criteria: it is a conservative change, it occurs at a poorly conserved position in the protein, it is predicted to be benign by multiple in silico algorithms, and/or has population frequency not consistent with disease.

NM_004863.4(SPTLC2):c.963G>A (p.Glu321=)

Gene: SPTLC2 (serine palmitoyltransferase long chain base subunit 2; minus strand). Cytogenetic location: 14q24.3.
Variant type: single nucleotide variant.
Coding change: c.963G>A on transcript NM_004863.4 (MANE Select); coding-DNA position 963, G replaced by A.
Protein change: p.Glu321=; no amino-acid change (glutamic acid 321 retained).
Molecular consequence: synonymous variant.
Genome position (GRCh38, 1-based): chr14:77,555,513, C>T on the plus strand (G>A on the coding strand, the complement: SPTLC2 is on the minus strand). VCF-style: chr14-77555513-C-T. GRCh37 (hg19) VCF-style: chr14-78021856-C-T.
Identifiers: ClinVar variation 381162 (VCV000381162.1), dbSNP rs182880965, ClinGen allele CA7289303.